The following is an entry in ClinVar:

ClinVar aggregate classification (germline): Pathogenic/Likely pathogenic. Review status: criteria provided, multiple submitters, no conflicts (2 of 4 stars). 7 submissions from 7 submitters: Pathogenic (5); Likely pathogenic (1). 1 of the submissions does not count toward it. Last evaluated 2025-03-21.

Conditions:
Retinal dystrophy. Also called: Inherited retinal dystrophy. Identifiers: Orphanet 71862, MedGen C0854723, MeSH D058499, MONDO:0019118, HP:0000556.
Leber congenital amaurosis (LCA). Also called: Leber's amaurosis. Identifiers: Orphanet 65, MedGen C0339527, MeSH D057130, MONDO:0018998.
Leber congenital amaurosis 13 (LCA13). Identifiers: MedGen C2675186, MONDO:0012990, OMIM 612712.

Allele frequency attached by ClinVar (database versions not stated): gnomAD exomes below 0.00001; gnomAD 0.00003; TOPMed 0.00003.
gnomAD v4.1: 10 of 1,614,004 alleles (0.00062%); highest among the groups gnomAD compares: African/African-American, 0.004%; no homozygotes.

Submissions (7):

Natera, Inc.
Classification: Pathogenic for Leber congenital amaurosis. Last evaluated: 2025-03-21. Review status: criteria provided, single submitter. Criteria: Natera Variant Classification Schema (03/2026). Collection method: clinical testing. Allele origin: germline.
Comment: The c.250C>T variant in RDH12 is a nonsense variant predicted to introduce a stop codon at amino acid 84. This variant is expected to result in nonsense mediated decay, truncation, or a dysfunctional protein product. This variant is rare in the general population with a frequency below the threshold expected for the associated phenotype(s). This variant has been observed in one or more individuals affected with the associated recessive disease, as either homozygous or compound heterozygous with a second variant (PMID: 37714431). Additionally, this variant has been observed to segregate in affected family members (PMID: 37714431). Given the available evidence, this variant is classified as Pathogenic.

Labcorp Genetics (formerly Invitae), Labcorp
Classification: Pathogenic for Leber congenital amaurosis 13. Last evaluated: 2025-01-23. Review status: criteria provided, single submitter. Criteria: Invitae Variant Classification Sherloc (09022015). Collection method: clinical testing. Allele origin: germline.
Comment: This sequence change creates a premature translational stop signal (p.Arg84*) in the RDH12 gene. It is expected to result in an absent or disrupted protein product. Loss-of-function variants in RDH12 are known to be pathogenic (PMID: 17964524, 22065924, 32014858, 34001834). This variant is present in population databases (no rsID available, gnomAD 0.007%). This premature translational stop signal has been observed in individual(s) with Leber congenital amaurosis (PMID: 22065924). ClinVar contains an entry for this variant (Variation ID: 488802). For these reasons, this variant has been classified as Pathogenic.

Laboratorio de Genetica e Diagnostico Molecular, Hospital Israelita Albert Einstein
Classification: Pathogenic for Leber congenital amaurosis 13. Last evaluated: 2022-04-20. Review status: criteria provided, single submitter. Criteria: ACMG Guidelines, 2015. Collection method: clinical testing. Allele origin: germline. Affected: yes.
Comment: ACMG classification criteria: PVS1 very strong, PS4 supporting, PM2 moderate

Breda Genetics srl
Classification: Pathogenic for Leber congenital amaurosis 13. Last evaluated: 2020-08-24. Review status: criteria provided, single submitter. Criteria: ACMG Guidelines, 2015. Collection method: case-control. Allele origin: germline. Inheritance: Autosomal recessive inheritance. Affected: yes.
Comment: The variant c.250C>T (p.Arg84*) in the RDH12 gene is reported as pathogenic/likely pathogenic for Leber congenital amaurosis 13 in ClinVar (Variation ID: 488802). The variant creates a premature stop codon at amino acid position Arg84, which is likely to result in a truncated protein or protein loss due to nonsense-mediated messenger decay (NMD). The variant is reported with an estimated allele frequency of 0.000003976 in gnomAD exomes, with no homozygous individuals reported. The pathogenic variant c.250C>T (p.Arg84*) has been reported by Mackay et al. (2011) in a patient with nonsyndromic autosomal recessive retinal dystrophy (PMID: 22065924).

Institute of Human Genetics, Univ. Regensburg, Univ. Regensburg
Classification: Pathogenic for Retinal dystrophy. Last evaluated: 2020-01-01. Review status: criteria provided, single submitter. Criteria: ACMG Guidelines, 2015. Collection method: clinical testing. Allele origin: germline. Affected: yes.

GeneDx
Classification: Likely pathogenic. Last evaluated: 2017-11-28. Review status: criteria provided, single submitter. Criteria: GeneDx Variant Classification (06012015). Collection method: clinical testing. Allele origin: germline. Affected: yes.
Comment: The R84X variant in the RDH12 gene has been reported previously in association with autosomal recessive early onset retinal dystrophy (Mackay et al., 2011). This variant is predicted to cause loss of normal protein function either through protein truncation or nonsense-mediated mRNA decay. The R84X variant is not observed at a significant frequency in large population cohorts (Lek et al., 2016). We interpret R84X as a likely pathogenic variant.

Laboratory of Genetics in Ophthalmology, Institut Imagine
Classification: Pathogenic for Leber congenital amaurosis 13. Review status: no assertion criteria provided. Collection method: research. Allele origin: inherited. Affected: yes. Observed: 1 variant allele. Not counted in ClinVar's aggregate classification.

Literature cited by the submitters: PubMed 37714431 (cited by Natera, Inc.); PubMed 17964524 (cited by Labcorp Genetics (formerly Invitae), Labcorp); PubMed 22065924 (cited by 4 submitters); PubMed 32014858 (cited by Labcorp Genetics (formerly Invitae), Labcorp); PubMed 34001834 (cited by Labcorp Genetics (formerly Invitae), Labcorp); PubMed 31964843 (cited by Institute of Human Genetics, Univ. Regensburg, Univ. Regensburg); PubMed 35006499 (cited by Institute of Human Genetics, Univ. Regensburg, Univ. Regensburg).

NM_152443.3(RDH12):c.250C>T (p.Arg84Ter)

Genes: GPHN (gephyrin; plus strand), RDH12 (retinol dehydrogenase 12; plus strand). Cytogenetic location: 14q24.1.
Variant type: single nucleotide variant.
Coding change: c.250C>T on transcript NM_152443.3 (MANE Select); coding-DNA position 250, C replaced by T.
Protein change: p.Arg84Ter; replaces arginine 84 with a stop codon.
Molecular consequence: nonsense.
Genome position (GRCh38, 1-based): chr14:67,725,161, C>T. VCF-style: chr14-67725161-C-T. GRCh37 (hg19) VCF-style: chr14-68191878-C-T.
Other names: short protein forms R84*.
Identifiers: ClinVar variation 488802 (VCV000488802.20), dbSNP rs1349849938, ClinGen allele CA390148606.
Genomic context (GRCh38, chr14:67,725,161, plus strand): 5'-GCCCGAGTCTATATTGCCTGCAGAGATGTACTGAAGGGGGAGTCTGCTGCCAGTGAAATC[C>T]GAGTGGATACAAAGAACTCCCAGGTGCTGGTGCGGAAATTGGACCTATCCGACACCAAAT-3'